The following is an entry in ClinVar:

NM_002838.5(PTPRC):c.782G>T (p.Gly261Val)

Gene: PTPRC (protein tyrosine phosphatase receptor type C; plus strand). Cytogenetic location: 1q32.1.
Variant type: single nucleotide variant.
Coding change: c.782G>T on transcript NM_002838.5 (MANE Select); coding-DNA position 782, G replaced by T.
Protein change: p.Gly261Val; replaces glycine 261 with valine.
Molecular consequence: missense variant.
Genome position (GRCh38, 1-based): chr1:198,706,830, G>T. VCF-style: chr1-198706830-G-T. GRCh37 (hg19) VCF-style: chr1-198675959-G-T.
Other names: c.299G>T, p.Gly100Val (NM_080921.4); short protein forms G261V, G100V.
Identifiers: ClinVar variation 379207 (VCV000379207.20), dbSNP rs142941257, ClinGen allele CA1314616.

ClinVar aggregate classification (germline): Conflicting classifications of pathogenicity. Review status: criteria provided, conflicting classifications (1 of 4 stars). 7 submissions from 7 submitters: Uncertain significance (2); Likely benign (2). 3 of the submissions do not count toward it. Last evaluated 2026-02-04.

Conditions:
PTPRC-related disorder. Also called: PTPRC-related condition.
Immunodeficiency 104. Also called: Severe Combined Immune Deficiency, Autosomal Recessive, TCell -Negative, B Cell-Positive, NK Cell-Positive, IL7R-Related; Severe combined immunodeficiency, autosomal recessive, T cell-negative, B cell-positive, NK cell-positive; SCID, AUTOSOMAL RECESSIVE, T CELL-NEGATIVE, B CELL-POSITIVE, NK CELL-POSITIVE; IMMUNODEFICIENCY 104, SEVERE COMBINED. Identifiers: MedGen C5676890, MONDO:0012163, OMIM 608971.

Allele frequency attached by ClinVar (database versions not stated): 1000 Genomes Project 0.00020; 1000 Genomes Project 30x 0.00031; gnomAD 0.00102 and 0.00116; ExAC 0.00107; gnomAD exomes 0.00108 and 0.00181; TOPMed 0.00122; ESP Exome Variant Server 0.00154.
gnomAD v4.1: 2,759 of 1,613,172 alleles (0.17%); highest among the groups gnomAD compares: Non-Finnish European, 0.22%; 4 homozygotes.

Submissions (7):

Labcorp Genetics (formerly Invitae), Labcorp
Classification: Likely benign for Immunodeficiency 104. Last evaluated: 2026-02-04. Review status: criteria provided, single submitter. Criteria: Invitae Variant Classification Sherloc (09022015). Collection method: clinical testing. Allele origin: germline.

Blueprint Genetics
Classification: Likely benign. Last evaluated: 2024-11-20. Review status: criteria provided, single submitter. Criteria: ACMG Guidelines, 2015. Collection method: clinical testing. Allele origin: germline.

GeneDx
Classification: Uncertain significance. Last evaluated: 2020-11-12. Review status: criteria provided, single submitter. Criteria: GeneDx Variant Classification Process June 2021. Collection method: clinical testing. Allele origin: germline. Affected: yes.
Comment: In silico analysis supports that this missense variant does not alter protein structure/function; Has not been previously published as pathogenic or benign to our knowledge.

Center for Genomics, Ann and Robert H. Lurie Children's Hospital of Chicago
Classification: Uncertain significance for Immunodeficiency 104. Last evaluated: 2019-09-11. Review status: criteria provided, single submitter. Criteria: ACMG Guidelines, 2015. Collection method: clinical testing. Allele origin: germline.
Comment: PTPRC NM_002838.4 exon 9 p.Gly261Val (c.782G>T): This variant has not been reported in the literature but is present in 0.2% (264/129062) of European alleles in the Genome Aggregation Database. This variant is present in ClinVar (Variation ID:379207). Evolutionary conservation and computational predictive tools suggest that this variant may not impact the protein. In summary, data on this variant is insufficient for disease classification. Therefore, the clinical significance of this variant is uncertain.

PreventionGenetics, part of Exact Sciences
Classification: Uncertain significance for PTPRC-related condition. Last evaluated: 2024-08-23. Review status: no assertion criteria provided. Collection method: clinical testing. Allele origin: germline. Not counted in ClinVar's aggregate classification.
Comment: The PTPRC c.782G>T variant is predicted to result in the amino acid substitution p.Gly261Val. To our knowledge, this variant has not been reported in the literature. This variant is reported in 0.20% of alleles in individuals of European (Non-Finnish) descent in gnomAD. At this time, the clinical significance of this variant is uncertain due to the absence of conclusive functional and genetic evidence.

Clinical Genetics DNA and cytogenetics Diagnostics Lab, Erasmus MC, Erasmus Medical Center
Classification: Likely benign. Review status: no assertion criteria provided. Collection method: clinical testing. Allele origin: germline. Affected: yes. Study: VKGL Data-share Consensus. Not counted in ClinVar's aggregate classification.

Genome Diagnostics Laboratory, University Medical Center Utrecht
Classification: Likely benign. Review status: no assertion criteria provided. Collection method: clinical testing. Allele origin: germline. Affected: yes. Study: VKGL Data-share Consensus. Not counted in ClinVar's aggregate classification.